The following is an entry in ClinVar:

ClinVar aggregate classification (germline): Likely benign (1 of 4 stars; one submission).

Conditions:
PCNT-related disorder. Also called: PCNT-related condition.

gnomAD v4.1: 2 of 1,614,236 alleles (0.00012%); highest among the groups gnomAD compares: East Asian, 0.0022%; no homozygotes.

Submission:

PreventionGenetics, part of Exact Sciences
Classification: Likely benign for PCNT-related condition. Last evaluated: 2025-08-18. Review status: criteria provided, single submitter. Criteria: ACMG Guidelines, 2015. Collection method: clinical testing. Allele origin: germline.
Comment: This variant is classified as likely benign based on ACMG/AMP sequence variant interpretation guidelines (Richards et al. 2015 PMID: 25741868, with internal and published modifications).

NM_006031.6(PCNT):c.3711C>T (p.His1237=)

Gene: PCNT (pericentrin; plus strand). Cytogenetic location: 21q22.3.
Variant type: single nucleotide variant.
Coding change: c.3711C>T on transcript NM_006031.6 (MANE Select); coding-DNA position 3711, C replaced by T.
Protein change: p.His1237=; no amino-acid change (histidine 1237 retained).
Molecular consequence: synonymous variant.
Genome position (GRCh38, 1-based): chr21:46,389,302, C>T. VCF-style: chr21-46389302-C-T. GRCh37 (hg19) VCF-style: chr21-47809217-C-T.
Other names: c.3357C>T, p.His1119= (NM_001315529.2).
Identifiers: ClinVar variation 4995687 (VCV004995687.1).